The following is an entry in ClinVar:

ClinVar aggregate classification (germline): Uncertain significance. Review status: criteria provided, multiple submitters, no conflicts (2 of 4 stars). 2 submissions from 2 submitters: Uncertain significance (2). Last evaluated 2024-08-31.

Conditions:
Cortical dysplasia-focal epilepsy syndrome (PTHSL1). Also called: Pitt-Hopkins-like syndrome 1. Identifiers: Orphanet 163681, Orphanet 221150, MedGen C2750246, MONDO:0012400, OMIM 610042.

Allele frequency attached by ClinVar (database versions not stated): ExAC 0.00001; gnomAD exomes 0.00001; ESP Exome Variant Server 0.00008.
gnomAD v4.1: 11 of 1,614,216 alleles (0.00068%); highest among the groups gnomAD compares: Non-Finnish European, 0.00085%; no homozygotes.

Submissions (2):

Labcorp Genetics (formerly Invitae), Labcorp
Classification: Uncertain significance for Cortical dysplasia-focal epilepsy syndrome. Last evaluated: 2024-08-31. Review status: criteria provided, single submitter. Criteria: Invitae Variant Classification Sherloc (09022015). Collection method: clinical testing. Allele origin: germline.
Comment: This sequence change replaces asparagine, which is neutral and polar, with lysine, which is basic and polar, at codon 1185 of the CNTNAP2 protein (p.Asn1185Lys). This variant is present in population databases (rs369699763, gnomAD 0.0009%). This variant has not been reported in the literature in individuals affected with CNTNAP2-related conditions. ClinVar contains an entry for this variant (Variation ID: 585728). An algorithm developed to predict the effect of missense changes on protein structure and function (PolyPhen-2) suggests that this variant is likely to be disruptive. In summary, the available evidence is currently insufficient to determine the role of this variant in disease. Therefore, it has been classified as a Variant of Uncertain Significance.

Athena Diagnostics
Classification: Uncertain significance. Last evaluated: 2017-12-07. Review status: criteria provided, single submitter. Criteria: Athena Diagnostics Criteria. Collection method: clinical testing. Allele origin: germline.

NM_014141.6(CNTNAP2):c.3555C>G (p.Asn1185Lys)

Gene: CNTNAP2 (contactin associated protein 2; plus strand). Cytogenetic location: 7q36.1.
Variant type: single nucleotide variant.
Coding change: c.3555C>G on transcript NM_014141.6 (MANE Select); coding-DNA position 3555, C replaced by G.
Protein change: p.Asn1185Lys; replaces asparagine 1185 with lysine.
Molecular consequence: missense variant.
Genome position (GRCh38, 1-based): chr7:148,383,728, C>G. VCF-style: chr7-148383728-C-G. GRCh37 (hg19) VCF-style: chr7-148080820-C-G.
Other names: short protein forms N1185K.
Identifiers: ClinVar variation 585728 (VCV000585728.7), dbSNP rs369699763, ClinGen allele CA4546695.